The following is an entry in ClinVar:

ClinVar aggregate classification (germline): Uncertain significance (1 of 4 stars; one submission).

Allele frequency attached by ClinVar (database versions not stated): gnomAD 0.00001; TOPMed 0.00001.
gnomAD v4.1: 1 of 1,614,032 alleles (0.000062%); highest among the groups gnomAD compares: Non-Finnish European, 0.000085%; no homozygotes.

Submission:

GeneDx
Classification: Uncertain significance. Last evaluated: 2014-07-03. Review status: criteria provided, single submitter. Criteria: GeneDx Variant Classification (06012015). Collection method: clinical testing. Allele origin: germline. Affected: yes.
Comment: Missense variants in the TTN gene are considered 'unclassified' if they are not previously reported in the literature and do not have >1% frequency in the population to be considered a polymorphism. Research indicates that truncating mutations in the TTN gene are expected to account for approximately 25% of familial and 18% of sporadic idiopathic DCM; however, truncating variants in the TTN gene have been reported in approximately 3% of reported control alleles. There has been little investigation into non-truncating variants. (Herman D et al. Truncations of titin causing dilated cardiomyopathy. N Eng J Med 366:619-628, 2012) The variant is found in CARDIOMYOPATHY panel(s).

NM_001267550.2(TTN):c.565G>T (p.Ala189Ser)

Gene: TTN (titin; minus strand). Cytogenetic location: 2q31.2.
Variant type: single nucleotide variant.
Coding change: c.565G>T on transcript NM_001267550.2 (MANE Select); coding-DNA position 565, G replaced by T.
Protein change: p.Ala189Ser; replaces alanine 189 with serine.
Molecular consequence: missense variant.
Genome position (GRCh38, 1-based): chr2:178,800,413, C>A on the plus strand (G>T on the coding strand, the complement: TTN is on the minus strand). VCF-style: chr2-178800413-C-A. GRCh37 (hg19) VCF-style: chr2-179665140-C-A.
Other names: p.A189S:GCT>TCT; c.565G>T, p.Ala189Ser (NM_003319.4, NM_133378.4, NM_133379.5 and 3 more transcripts); short protein forms A189S.
Identifiers: ClinVar variation 203255 (VCV000203255.2), dbSNP rs794729610, ClinGen allele CA311827.